The following is an entry in ClinVar:

ClinVar aggregate classification (germline): Uncertain significance (1 of 4 stars; one submission).

Conditions:
Severe combined immunodeficiency, autosomal recessive, T cell-negative, B cell-negative, NK cell-positive. Also called: SCID, T CELL-NEGATIVE, B CELL-NEGATIVE, NK CELL-POSITIVE; SCID, AR, T-cell negative, B-cell negative, NK cell-positive; Severe combined immunodeficiency due to complete RAG1/2 deficiency. Identifiers: Orphanet 331206, MedGen C1832322, MONDO:0011086, OMIM 601457.
Combined immunodeficiency with skin granulomas. Identifiers: Orphanet 157949, MedGen C2673536, MONDO:0009306, OMIM 233650.

Submission:

Labcorp Genetics (formerly Invitae), Labcorp
Classification: Uncertain significance for Combined immunodeficiency with skin granulomas; Severe combined immunodeficiency, autosomal recessive, T cell-negative, B cell-negative, NK cell-positive. Last evaluated: 2025-12-23. Review status: criteria provided, single submitter. Criteria: Invitae Variant Classification Sherloc (09022015). Collection method: clinical testing. Allele origin: germline.
Comment: This sequence change replaces glutamic acid, which is acidic and polar, with glutamine, which is neutral and polar, at codon 301 of the RAG2 protein (p.Glu301Gln). This variant is not present in population databases (gnomAD no frequency). This variant has not been reported in the literature in individuals affected with RAG2-related conditions. Invitae Evidence Modeling of protein sequence and biophysical properties (such as structural, functional, and spatial information, amino acid conservation, physicochemical variation, residue mobility, and thermodynamic stability) indicates that this missense variant is not expected to disrupt RAG2 protein function with a negative predictive value of 80%. In summary, the available evidence is currently insufficient to determine the role of this variant in disease. Therefore, it has been classified as a Variant of Uncertain Significance.

NM_000536.4(RAG2):c.901G>C (p.Glu301Gln)

Gene: RAG2 (recombination activating 2; minus strand). Cytogenetic location: 11p12.
Variant type: single nucleotide variant.
Coding change: c.901G>C on transcript NM_000536.4 (MANE Select); coding-DNA position 901, G replaced by C.
Protein change: p.Glu301Gln; replaces glutamic acid 301 with glutamine.
Molecular consequence: missense variant.
Genome position (GRCh38, 1-based): chr11:36,593,268, C>G on the plus strand (G>C on the coding strand, the complement: RAG2 is on the minus strand). VCF-style: chr11-36593268-C-G. GRCh37 (hg19) VCF-style: chr11-36614818-C-G.
Other names: c.901G>C, p.Glu301Gln (NM_001243785.2, NM_001243786.2); short protein forms E301Q.
Identifiers: ClinVar variation 4790858 (VCV004790858.1).
Genomic context (GRCh38, chr11:36,593,268, plus strand): 5'-TGCTTCCAAACCATATCTTGCTGTGCTTAATGTCTGGGGTCCAATCTGGGGTCTCCATCT[C>G]ACGAATTTCTATCTTGTTGTCCTCTAAAGAGATGATGTTGCAGATCATTCTTTTTTGATT-3'
Protein context (NP_000527.2, residues 291-311): SLEDNKIEIR[Glu301Gln]METPDWTPDI